The following is an entry in ClinVar:

ClinVar aggregate classification (germline): Uncertain significance. Review status: criteria provided, multiple submitters, no conflicts (2 of 4 stars). 2 submissions from 2 submitters: Uncertain significance (2). Last evaluated 2025-05-27.

gnomAD v4.1: 1 of 1,613,694 alleles (0.000062%); no homozygotes.

Submissions (2):

Labcorp Genetics (formerly Invitae), Labcorp
Classification: Uncertain significance. Last evaluated: 2025-05-27. Review status: criteria provided, single submitter. Criteria: Invitae Variant Classification Sherloc (09022015). Collection method: clinical testing. Allele origin: germline.
Comment: This sequence change replaces proline, which is neutral and non-polar, with threonine, which is neutral and polar, at codon 1010 of the COL2A1 protein (p.Pro1010Thr). This variant is not present in population databases (gnomAD no frequency). This variant has not been reported in the literature in individuals affected with COL2A1-related conditions. ClinVar contains an entry for this variant (Variation ID: 3022787). Invitae Evidence Modeling of protein sequence and biophysical properties (such as structural, functional, and spatial information, amino acid conservation, physicochemical variation, residue mobility, and thermodynamic stability) indicates that this missense variant is not expected to disrupt COL2A1 protein function with a negative predictive value of 95%. In summary, the available evidence is currently insufficient to determine the role of this variant in disease. Therefore, it has been classified as a Variant of Uncertain Significance.

GeneDx
Classification: Uncertain significance. Last evaluated: 2024-12-10. Review status: criteria provided, single submitter. Criteria: GeneDx Variant Classification Process June 2021. Collection method: clinical testing. Allele origin: germline. Affected: yes.
Comment: Not observed at significant frequency in large population cohorts (gnomAD); In silico analysis indicates that this missense variant does not alter protein structure/function; Has not been previously published as pathogenic or benign to our knowledge; Occurs in the triple helical domain at the Y position in the canonical Gly-X-Y repeat; although this variant may have an effect on normal protein folding and function, missense substitution at the Y position is not a common mechanism of disease (HGMD)

NM_001844.5(COL2A1):c.3028C>A (p.Pro1010Thr)

Gene: COL2A1 (collagen type II alpha 1 chain; minus strand). Cytogenetic location: 12q13.11.
Variant type: single nucleotide variant.
Coding change: c.3028C>A on transcript NM_001844.5 (MANE Select); coding-DNA position 3028, C replaced by A.
Protein change: p.Pro1010Thr; replaces proline 1010 with threonine.
Molecular consequence: missense variant.
Genome position (GRCh38, 1-based): chr12:47,978,093, G>T on the plus strand (C>A on the coding strand, the complement: COL2A1 is on the minus strand). VCF-style: chr12-47978093-G-T. GRCh37 (hg19) VCF-style: chr12-48371876-G-T.
Other names: c.2821C>A, p.Pro941Thr (NM_033150.3); c.3028C>A (NM_001844.4); short protein forms P1010T, P941T.
Identifiers: ClinVar variation 3022787 (VCV003022787.4), dbSNP rs1938822705, ClinGen allele CA384540905.
Genomic context (GRCh38, chr12:47,978,093, plus strand): 5'-GACCCGTCAGGCCAGGAGGACCCACGGGGCCAGGAGGACCTCTGTCTCCAGATGCTCCAG[G>T]AGCACCCTGCTTGCCGGGCTCACCCTGGAGGGACAGAGACAAGGATGATGAGTGCAAGTG-3'
Protein context (NP_001835.3, residues 1000-1020): PSGEPGKQGA[Pro1010Thr]GASGDRGPPG